The following is an entry in ClinVar:

ClinVar aggregate classification (germline): Uncertain significance (0 of 4 stars; one submission).

Conditions:
HTR2C-related disorder. Also called: HTR2C-related condition.

gnomAD v4.1: 9 of 1,211,115 alleles (0.00074%); highest among the groups gnomAD compares: Non-Finnish European, 0.001%; no homozygotes.

Submission:

PreventionGenetics, part of Exact Sciences
Classification: Uncertain significance for HTR2C-related condition. Last evaluated: 2023-12-26. Review status: no assertion criteria provided. Collection method: clinical testing. Allele origin: germline.
Comment: The HTR2C c.1298G>C variant is predicted to result in the amino acid substitution p.Gly433Ala. To our knowledge, this variant has not been reported in the literature. This variant is reported in 0.0012% of alleles in individuals of European (Non-Finnish) descent in gnomAD. At this time, the clinical significance of this variant is uncertain due to the absence of conclusive functional and genetic evidence.

NM_000868.4(HTR2C):c.1298G>C (p.Gly433Ala)

Genes: HTR2C (5-hydroxytryptamine receptor 2C; plus strand), LOC126863306 (MED14-independent group 3 enhancer GRCh37_chrX:114140926-114142125; plus strand). Cytogenetic location: Xq23.
Variant type: single nucleotide variant.
Coding change: c.1298G>C on transcript NM_000868.4 (MANE Select); coding-DNA position 1298, G replaced by C.
Protein change: p.Gly433Ala; replaces glycine 433 with alanine.
Molecular consequence: missense variant. On other transcripts: 3 prime UTR variant (1).
Genome position (GRCh38, 1-based): chrX:114,907,336, G>C. VCF-style: chrX-114907336-G-C. GRCh37 (hg19) VCF-style: chrX-114141899-G-C.
Other names: c.1298G>C, p.Gly433Ala (NM_001256760.3); c.*456G>C (NM_001256761.3); short protein forms G433A.
Identifiers: ClinVar variation 3348016 (VCV003348016.1).
Genomic context (GRCh38, chrX:114,907,336, plus strand): 5'-TTAACATTTATCGGCATACCAATGAACCGGTGATCGAGAAAGCCAGTGACAATGAGCCCG[G>C]TATAGAGATGCAAGTTGAGAATTTAGAGTTACCAGTAAATCCCTCCAGTGTGGTTAGCGA-3'
Protein context (NP_000859.2, residues 423-443): VIEKASDNEP[Gly433Ala]IEMQVENLEL